The following is an entry in ClinVar:

ClinVar aggregate classification (germline): Pathogenic (1 of 4 stars; one submission).

Conditions:
Bethlem myopathy 1A. Also called: Bethlem myopathy 1; MYOPATHY, BENIGN CONGENITAL, WITH CONTRACTURES; Bethlem Muscular Dystrophy. Identifiers: Orphanet 610, MedGen CN029274, MONDO:0024530, OMIM 158810.

Submission:

Labcorp Genetics (formerly Invitae), Labcorp
Classification: Pathogenic for Bethlem myopathy 1. Last evaluated: 2018-03-29. Review status: criteria provided, single submitter. Criteria: Invitae Variant Classification Sherloc (09022015). Collection method: clinical testing. Allele origin: germline.
Comment: This variant is a gross deletion of the genomic region encompassing exons 2-17 of the COL6A2 gene, which includes the initiator codon. The 5' end of this event is unknown as it extends beyond the assayed region for this gene and therefore may encompass additional genes. The 3' boundary is likely confined to intron 17 of the COL6A2 gene. This is expected to result in an absent or disrupted protein product. This variant has not been reported in the literature in individuals with COL6A2-related disease. Loss-of-function variants in COL6A2 are known to be pathogenic (PMID: 19884007, 20976770). For these reasons, this variant has been classified as Pathogenic.

NC_000021.9:g.(?_46111477)_(46121123_?)del

Gene: COL6A2 (collagen type VI alpha 2 chain; plus strand). Cytogenetic location: 21q22.3.
Variant type: Deletion.
Identifiers: ClinVar variation 583880 (VCV000583880.1).